The following is an entry in ClinVar:

ClinVar aggregate classification (germline): Uncertain significance (1 of 4 stars; one submission).

Conditions:
Juvenile polyposis/hereditary hemorrhagic telangiectasia syndrome (JPHT). Also called: Juvenile Polyposis Syndrome / Hereditary Hemorrhagic Telangiectasia (JPS/HHT); JP/HHT SYNDROME; JUVENILE POLYPOSIS WITH HEREDITARY HEMORRHAGIC TELANGIECTASIA; POLYPOSIS, GENERALIZED JUVENILE, WITH PULMONARY ARTERIOVENOUS MALFORMATION; TELANGIECTASIA, HEREDITARY HEMORRHAGIC, WITH JUVENILE POLYPOSIS COLI. Identifiers: Orphanet 2929, MedGen C1832942, MONDO:0008278, OMIM 175050.

Submission:

All of Us Research Program, National Institutes of Health
Classification: Uncertain significance for Juvenile polyposis/hereditary hemorrhagic telangiectasia syndrome. Last evaluated: 2023-12-18. Review status: criteria provided, single submitter. Criteria: ACMG Guidelines, 2015. Collection method: clinical testing. Allele origin: germline. Inheritance: Autosomal dominant inheritance. Observed: 1 variant allele, 1 heterozygote.
Comment: This variant causes a deletion of one nucleotide at the -7 position in the 5' untranslated region in the SMAD4 gene. To our knowledge, functional studies have not been reported for this variant. This variant has not been reported in individuals affected with SMAD4-related disorders in the literature. This variant has not been identified in the general population by the Genome Aggregation Database (gnomAD). The available evidence is insufficient to determine the role of this variant in disease conclusively. Therefore, this variant is classified as a Variant of Uncertain Significance.

This study involves interpretation of variants in research participants for the purpose of population health screening. Participant phenotype was not available at the time of variant classification. Additional details can be found in publication PMID: 35346344, PMCID: PMC8962531

NM_005359.6(SMAD4):c.-7del

Gene: SMAD4 (SMAD family member 4; plus strand). Cytogenetic location: 18q21.2.
Variant type: Deletion.
Coding change: c.-7del on transcript NM_005359.6 (MANE Select); 7 bases upstream of the start codon, one base deleted (T; older notation c.-7delT).
Molecular consequence: 5 prime UTR variant. On other transcripts: non-coding transcript variant (2).
Genome position (GRCh38, 1-based): chr18:51,047,040, T deleted; the last of 2 consecutive T bases (chr18:51,047,039-51,047,040); deleting either gives the same sequence. VCF-style (leftmost placement, unchanged base first): chr18-51047038-CT-C. GRCh37 (hg19) VCF-style: chr18-48573408-CT-C.
Other names: c.-7del (NM_001407041.1, NM_001407042.1, NM_001407043.1).
Identifiers: ClinVar variation 3074351 (VCV003074351.1), dbSNP rs1909564738, ClinGen allele CA2302971770.